The following is an entry in ClinVar:

NM_022575.4(VPS16):c.1441G>A (p.Val481Ile)

Gene: VPS16 (VPS16 core subunit of CORVET and HOPS complexes; plus strand). Cytogenetic location: 20p13.
Variant type: single nucleotide variant.
Coding change: c.1441G>A on transcript NM_022575.4 (MANE Select); coding-DNA position 1441, G replaced by A.
Protein change: p.Val481Ile; replaces valine 481 with isoleucine.
Molecular consequence: missense variant.
Genome position (GRCh38, 1-based): chr20:2,863,363, G>A. VCF-style: chr20-2863363-G-A. GRCh37 (hg19) VCF-style: chr20-2844009-G-A.
Other names: c.1009G>A, p.Val337Ile (NM_080413.3); short protein forms V337I, V481I.
Identifiers: ClinVar variation 3815150 (VCV003815150.7).
Genomic context (GRCh38, chr20:2,863,363, plus strand): 5'-AGACTTTACCCCCTGGCCATCCAGATATGCGAGTACTTGCGCCTTCCTGAAGTACAGGGC[G>A]TCAGCAGGATCCTGGCCCACTGGGCCTGCTACAAGGCAAGGATGTGGGATGGGGTCCAAG-3'
Protein context (NP_072097.2, residues 471-491): EYLRLPEVQG[Val481Ile]SRILAHWACY

ClinVar aggregate classification (germline): Uncertain significance. Review status: criteria provided, multiple submitters, no conflicts (2 of 4 stars). 2 submissions from 2 submitters: Uncertain significance (2). Last evaluated 2025-10-01.

Conditions:
Inborn genetic diseases. Identifiers: MedGen C0950123, MeSH D030342.

Submissions (2):

CeGaT Center for Human Genetics Tuebingen
Classification: Uncertain significance. Last evaluated: 2025-10-01. Review status: criteria provided, single submitter. Criteria: CeGaT Center For Human Genetics Tuebingen Variant Classification Criteria Version 2. Collection method: clinical testing. Allele origin: germline. Affected: yes. Observed: 1 variant allele.
Comment: VPS16: PM2

Ambry Genetics
Classification: Uncertain significance for Inborn genetic diseases. Last evaluated: 2025-01-22. Review status: criteria provided, single submitter. Criteria: Ambry Variant Classification Scheme 2023. Collection method: clinical testing. Allele origin: germline.